The following is an entry in ClinVar:

NM_001142864.4(PIEZO1):c.5034C>G (p.Ala1678=)

Gene: PIEZO1 (piezo type mechanosensitive ion channel component 1 (Er blood group); minus strand). Cytogenetic location: 16q24.3.
Variant type: single nucleotide variant.
Coding change: c.5034C>G on transcript NM_001142864.4 (MANE Select); coding-DNA position 5034, C replaced by G.
Protein change: p.Ala1678=; no amino-acid change (alanine 1678 retained).
Molecular consequence: synonymous variant.
Genome position (GRCh38, 1-based): chr16:88,721,988, G>C on the plus strand (C>G on the coding strand, the complement: PIEZO1 is on the minus strand). VCF-style: chr16-88721988-G-C. GRCh37 (hg19) VCF-style: chr16-88788396-G-C.
Identifiers: ClinVar variation 4983679 (VCV004983679.1).

ClinVar aggregate classification (germline): Likely benign (1 of 4 stars; one submission).

Conditions:
PIEZO1-related disorder. Also called: PIEZO1-related condition; PIEZO1-Related Disorders.

gnomAD v4.1: 2 of 1,549,630 alleles (0.00013%); highest among the groups gnomAD compares: African/African-American, 0.0027%; no homozygotes.

Submission:

PreventionGenetics, part of Exact Sciences
Classification: Likely benign for PIEZO1-related condition. Last evaluated: 2025-07-21. Review status: criteria provided, single submitter. Criteria: ACMG Guidelines, 2015. Collection method: clinical testing. Allele origin: germline.
Comment: This variant is classified as likely benign based on ACMG/AMP sequence variant interpretation guidelines (Richards et al. 2015 PMID: 25741868, with internal and published modifications).